The following is an entry in ClinVar:

NM_000038.6(APC):c.646-1464T>G

Gene: APC (APC regulator of WNT signaling pathway; plus strand). Cytogenetic location: 5q22.2.
Variant type: single nucleotide variant.
Coding change: c.646-1464T>G on transcript NM_000038.6 (MANE Select); 1464 bases into the intron before coding-DNA position 646, T replaced by G.
Molecular consequence: intron variant.
Genome position (GRCh38, 1-based): chr5:112,790,982, T>G. VCF-style: chr5-112790982-T-G. GRCh37 (hg19) VCF-style: chr5-112126679-T-G.
Other names: c.646-1464T>G (NM_001354895.2, NM_001127510.3, NM_001354896.2 and 1 more transcripts); c.676-1464T>G (NM_001354897.2, NM_001354902.2); c.675+10079T>G (NM_001127511.3); c.571-1464T>G (NM_001354898.2, NM_001354904.2); c.-390-1464T>G (NM_001354906.2); c.645+10079T>G (NM_001354899.2); c.469-1464T>G (NM_001354900.2, NM_001354901.2, NM_001354905.2).
Identifiers: ClinVar variation 82998 (VCV000082998.2), dbSNP rs80137954, ClinGen allele CA011649.

ClinVar aggregate classification (germline): other (0 of 4 stars; one submission).

Conditions:
Familial colorectal cancer. Identifiers: MedGen CN280943, MONDO:0023113. Disease mechanism: loss of function.

Submission:

Systems Biology Platform Zhejiang California International NanoSystems Institute
Classification: other for Familial colorectal cancer. Review status: no assertion criteria provided. Collection method: not provided. Allele origin: unknown.
ClinVar note: Converted during submission from cancer to other.